The following is an entry in ClinVar:

ClinVar aggregate classification (germline): Pathogenic. Review status: criteria provided, multiple submitters, no conflicts (2 of 4 stars). 12 submissions from 12 submitters: Pathogenic (9). 3 of the submissions do not count toward it. Last evaluated 2025-09-05.

Conditions:
Spondyloepiphyseal dysplasia, Stanescu type. Also called: SED, STANESCU TYPE; SPONDYLOEPIMETAPHYSEAL DYSPLASIA, STANESCU TYPE. Identifiers: Orphanet 459051, MedGen C4225273, MONDO:0014701, OMIM 616583.
Achondrogenesis type II (ACG2). Also called: ACHONDROGENESIS, LANGER-SALDINO TYPE; CHONDROGENESIS IMPERFECTA. Identifiers: Orphanet 932, Orphanet 93296, MedGen C0220685, MONDO:0008702, OMIM 200610.
Spondyloepiphyseal dysplasia congenita (SEDC). Also called: SED CONGENITA; SPONDYLOEPIPHYSEAL DYSPLASIA, CONGENITAL TYPE. Identifiers: Orphanet 94068, MedGen C2745959, MONDO:0008471, OMIM 183900.
Spondyloepimetaphyseal dysplasia, Strudwick type (SEMDSTWK). Also called: STRUDWICK SYNDROME; DAPPLED METAPHYSIS SYNDROME. Identifiers: Orphanet 93346, MedGen C0700635, MONDO:0008476, OMIM 184250.
Namaqualand hip dysplasia (OSCDP). Also called: Mild spondyloepiphyseal dysplasia due to COL2A1 mutation with early-onset osteoarthritis. Identifiers: Orphanet 93279, MedGen C0432214, MONDO:0011496, OMIM 604864.
Stickler syndrome, type I, nonsyndromic ocular. Also called: STICKLER SYNDROME, ATYPICAL; STICKLER SYNDROME, TYPE I, PREDOMINANTLY OCULAR. Identifiers: MedGen C1836080, MONDO:0012287, OMIM 609508.
Multiple epiphyseal dysplasia, Beighton type. Identifiers: Orphanet 166011, MedGen C1851536, MONDO:0007562, OMIM 132450.
Kniest dysplasia. Identifiers: Orphanet 485, MedGen C0265279, MONDO:0007987, OMIM 156550.
Legg-Calve-Perthes disease. Also called: PERTHES DISEASE; Osteochondritis deformans; Coxa plana; Avascular necrosis of the capital femoral epiphysis. Identifiers: Orphanet 2380, MedGen C1442965, MONDO:0007885, OMIM 150600, HP:0005743.
Vitreoretinopathy with phalangeal epiphyseal dysplasia (VPED). Identifiers: MedGen C1852989, MONDO:0031001, OMIM 619248.
Spondyloepiphyseal dysplasia with metatarsal shortening. Also called: Pseudorheumatoid dysplasia progressive, with hypoplastic toes; CZECH DYSPLASIA, METATARSAL TYPE; SPONDYLOEPIPHYSEAL DYSPLASIA WITH PRECOCIOUS OSTEOARTHRITIS. Identifiers: Orphanet 137678, MedGen C1836683, MONDO:0012206, OMIM 609162.
Stickler syndrome type 1 (STL1). Also called: COL2A1-Related Stickler Syndrome; ARTHROOPHTHALMOPATHY, HEREDITARY PROGRESSIVE; STICKLER SYNDROME, MEMBRANOUS VITREOUS TYPE; STICKLER SYNDROME, VITREOUS TYPE 1. Identifiers: Orphanet 828, Orphanet 90653, MedGen C2020284, MONDO:0007160, OMIM 108300.
Platyspondylic dysplasia, Torrance type (PLSDT). Identifiers: Orphanet 85166, MedGen C1835437, MONDO:0007895, OMIM 151210.
Spondyloperipheral dysplasia. Also called: SPONDYLOPERIPHERAL DYSPLASIA WITH SHORT ULNA; Spondyloperipheral dysplasia-short ulna syndrome. Identifiers: Orphanet 1856, MedGen C0796173, MONDO:0010078, OMIM 271700.
Avascular necrosis of femoral head, primary, 1 (ANFH1). Also called: Avascular necrosis of femoral head, primary. Identifiers: Orphanet 86820, MedGen C4551562, MONDO:0054550, OMIM 608805.
COL2A1-related disorder. Also called: COL2A1-related condition; COL2A1-related disorders.
Inborn genetic diseases. Identifiers: MedGen C0950123, MeSH D030342.

gnomAD v4.1: 1 of 1,565,672 alleles (0.000064%); no homozygotes.

Submissions (12):

Labcorp Genetics (formerly Invitae), Labcorp
Classification: Pathogenic. Last evaluated: 2025-09-05. Review status: criteria provided, single submitter. Criteria: Invitae Variant Classification Sherloc (09022015). Collection method: clinical testing. Allele origin: germline.
Comment: This sequence change replaces glycine, which is neutral and non-polar, with serine, which is neutral and polar, at codon 504 of the COL2A1 protein (p.Gly504Ser). This variant is not present in population databases (gnomAD no frequency). This missense change has been observed in individuals with autosomal dominant spondyloepiphyseal dysplasia (PMID: 15895462, 17509551, 23079993). It has also been observed to segregate with disease in related individuals. ClinVar contains an entry for this variant (Variation ID: 195742). Invitae Evidence Modeling of protein sequence and biophysical properties (such as structural, functional, and spatial information, amino acid conservation, physicochemical variation, residue mobility, and thermodynamic stability) indicates that this missense variant is expected to disrupt COL2A1 protein function with a positive predictive value of 95%. This variant disrupts the triple helix domain of COL2A1. Glycine residues within the Gly-Xaa-Yaa repeats of the triple helix domain are required for the structure and stability of fibrillar collagens (PMID: 7695699, 8218237, 19344236). In COL2A1, variants affecting these glycine residues are significantly enriched in individuals with disease (PMID: 9016532, 17078022) compared to the general population (ExAC). For these reasons, this variant has been classified as Pathogenic.

Fulgent Genetics
Classification: Pathogenic for Stickler syndrome type 1; Multiple epiphyseal dysplasia, Beighton type; Legg-Calve-Perthes disease; Platyspondylic dysplasia, Torrance type; Kniest dysplasia; Spondyloepiphyseal dysplasia congenita; Spondyloepimetaphyseal dysplasia, Strudwick type; Achondrogenesis type II; Spondyloperipheral dysplasia; Namaqualand hip dysplasia; Avascular necrosis of femoral head, primary, 1; Spondyloepiphyseal dysplasia with metatarsal shortening; Stickler syndrome, type I, nonsyndromic ocular; Spondyloepiphyseal dysplasia, Stanescu type; Vitreoretinopathy with phalangeal epiphyseal dysplasia. Last evaluated: 2024-05-02. Review status: criteria provided, single submitter. Criteria: ACMG Guidelines, 2015. Collection method: clinical testing. Allele origin: germline.

Blueprint Genetics
Classification: Pathogenic for COL2A1-related disorders. Last evaluated: 2024-02-12. Review status: criteria provided, single submitter. Criteria: ACMG Guidelines, 2015. Collection method: clinical testing. Allele origin: de novo. Affected: yes. Observed: 4 variant alleles.

GeneDx
Classification: Pathogenic. Last evaluated: 2023-05-03. Review status: criteria provided, single submitter. Criteria: GeneDx Variant Classification Process June 2021. Collection method: clinical testing. Allele origin: germline. Affected: yes.
Comment: Not observed at significant frequency in large population cohorts (gnomAD); Occurs in the triple helical domain and replaces a glycine in a canonical Gly-X-Y repeat; missense substitution of a canonical glycine residue is expected to disrupt normal protein folding and function, and this is an established mechanism of disease (Jovanovic et al., 2022); In silico analysis supports that this missense variant has a deleterious effect on protein structure/function; This variant is associated with the following publications: (PMID: 17509551, 32071555, 26626311, 25900302, 29354277, 23079993, 25604898, 10353778, 20513134, 26250472, 20179744, 9724608, 12925722, 1971141, 12848929, 26345137, 22791362, 33144682, 33258288, 34182999, 34007986, 35052477, 31630891, 15895462)

Laboratory of Medical Genetics, National & Kapodistrian University of Athens
Classification: Pathogenic for Spondyloperipheral dysplasia. Last evaluated: 2022-09-26. Review status: criteria provided, single submitter. Criteria: ACMG Guidelines, 2015. Collection method: clinical testing. Allele origin: germline. Affected: yes.
Comment: PM1, PM2, PM5, PP2, PP3, PP5

Institute of Human Genetics, University of Leipzig Medical Center
Classification: Pathogenic for Spondyloperipheral dysplasia. Last evaluated: 2019-06-17. Review status: criteria provided, single submitter. Criteria: ACMG Guidelines, 2015. Collection method: clinical testing. Allele origin: germline. Affected: yes. Observed: 1 variant allele.

Eurofins Ntd Llc (ga)
Classification: Pathogenic. Last evaluated: 2017-09-26. Review status: criteria provided, single submitter. Criteria: EGL Classification Definitions 2015. Collection method: clinical testing. Allele origin: germline. Observed: 2 variant alleles, 2 heterozygotes.

Ambry Genetics
Classification: Pathogenic for Inborn genetic diseases. Last evaluated: 2017-03-13. Review status: criteria provided, single submitter. Criteria: Ambry exome assertion method (8-5-2015). Collection method: clinical testing. Allele origin: germline. Affected: yes. Observed: 2 variant alleles.

Juno Genomics, Hangzhou Juno Genomics, Inc
Classification: Pathogenic for Spondyloperipheral dysplasia. Review status: criteria provided, single submitter. Criteria: ACMG Guidelines, 2015. Collection method: clinical testing. Allele origin: germline. Affected: yes.
Comment: Absent from controls (or at extremely low frequency if recessive) in Genome Aggregation Database, Exome Sequencing Project, 1000 Genomes Project, or Exome Aggregation Consortium.;Multiple lines of computational evidence support a deleterious effect on the gene or gene product (conservation, evolutionary, splicing impact, etc).;Missense variant in a gene that has a low rate of benign missense variation and where missense variants are a common mechanism of disease.;The prevalence of the variant in affected individuals is significantly increased compared to the prevalence in controls.;Co-segregation with disease in multiple affected family members in a gene definitively known to cause the disease.;Patient's phenotype or family history is highly specific for a disease with a single genetic etiology.

Biochemical Molecular Genetic Laboratory, King Abdulaziz Medical City
Classification: Pathogenic for Spondyloperipheral dysplasia. Last evaluated: 2019-09-26. Review status: no assertion criteria provided. Collection method: clinical testing. Allele origin: germline. Affected: yes. Not counted in ClinVar's aggregate classification.

Diagnostic Laboratory, Department of Genetics, University Medical Center Groningen
Classification: Pathogenic. Review status: no assertion criteria provided. Collection method: clinical testing. Allele origin: germline. Affected: yes. Study: VKGL Data-share Consensus. Not counted in ClinVar's aggregate classification.

Joint Genome Diagnostic Labs from Nijmegen and Maastricht, Radboudumc and MUMC+
Classification: Pathogenic. Review status: no assertion criteria provided. Collection method: clinical testing. Allele origin: germline. Affected: yes. Study: VKGL Data-share Consensus. Not counted in ClinVar's aggregate classification.

Literature cited by the submitters: PubMed 15895462 (cited by 3 submitters); PubMed 17509551 (cited by 3 submitters); PubMed 23079993 (cited by 3 submitters); PubMed 7695699 (cited by Labcorp Genetics (formerly Invitae), Labcorp); PubMed 8218237 (cited by Labcorp Genetics (formerly Invitae), Labcorp); PubMed 19344236 (cited by Labcorp Genetics (formerly Invitae), Labcorp); PubMed 9016532 (cited by Labcorp Genetics (formerly Invitae), Labcorp); PubMed 17078022 (cited by Labcorp Genetics (formerly Invitae), Labcorp); PubMed 25900302 (cited by Eurofins Ntd Llc (ga) and Ambry Genetics); PubMed 7550321 (cited by Eurofins Ntd Llc (ga)).

NM_001844.5(COL2A1):c.1510G>A (p.Gly504Ser)

Gene: COL2A1 (collagen type II alpha 1 chain; minus strand). Cytogenetic location: 12q13.11.
Variant type: single nucleotide variant.
Coding change: c.1510G>A on transcript NM_001844.5 (MANE Select); coding-DNA position 1510, G replaced by A.
Protein change: p.Gly504Ser; replaces glycine 504 with serine.
Molecular consequence: missense variant.
Genome position (GRCh38, 1-based): chr12:47,986,353, C>T on the plus strand (G>A on the coding strand, the complement: COL2A1 is on the minus strand). VCF-style: chr12-47986353-C-T. GRCh37 (hg19) VCF-style: chr12-48380136-C-T.
Other names: c.1303G>A, p.Gly435Ser (NM_033150.3); short protein forms G504S, G435S.
Identifiers: ClinVar variation 195742 (VCV000195742.28), dbSNP rs121912880, ClinGen allele CA251240.